The following is an entry in ClinVar:

ClinVar aggregate classification (germline): Pathogenic (1 of 4 stars; one submission).

Submission:

Labcorp Genetics (formerly Invitae), Labcorp
Classification: Pathogenic. Last evaluated: 2023-07-12. Review status: criteria provided, single submitter. Criteria: Invitae Variant Classification Sherloc (09022015). Collection method: clinical testing. Allele origin: unknown.
Comment: For these reasons, this variant has been classified as Pathogenic. This variant has not been reported in the literature in individuals affected with COL18A1-related conditions. A gross deletion of the genomic region encompassing the full coding sequence of the COL18A1 gene has been identified. Loss-of-function variants in COL18A1 are known to be pathogenic (PMID: 12415512, 25456301). The boundaries of this event are unknown as they extend beyond the assayed region for this gene and therefore may encompass additional genes.

Literature cited by the submitters: PubMed 12415512; PubMed 25456301.

NC_000021.8:g.(?_46825146)_(46957873_?)del

Genes: COL18A1 (collagen type XVIII alpha 1 chain; plus strand), SLC19A1 (solute carrier family 19 member 1; minus strand). Cytogenetic location: 21q22.3.
Variant type: Deletion.
Identifiers: ClinVar variation 3248209 (VCV003248209.1).